The following is an entry in ClinVar:

ClinVar aggregate classification (germline): Benign (1 of 4 stars; one submission).

Allele frequency attached by ClinVar (database versions not stated): 1000 Genomes Project 30x 0.09744; 1000 Genomes Project 0.09984; TOPMed 0.13146; gnomAD exomes 0.19422.
gnomAD v4.1: 232,213 of 1,237,084 alleles (19%); highest among the groups gnomAD compares: Non-Finnish European, 21%; 23,529 homozygotes.

Submissions (4):

Unidad de Genómica Garrahan, Hospital de Pediatría Garrahan
Classification: Benign. Last evaluated: 2024-01-24. Review status: criteria provided, single submitter. Criteria: ACMG Guidelines, 2015. Collection method: clinical testing. Allele origin: germline. Affected: no. Observed: 20 variant alleles.
Comment: This variant is classified as Benign based on local population frequency. This variant was detected in 21% of patients studied by a panel of primary immunodeficiencies. Number of patients: 20. Only high quality variants are reported.

Dr. Peter K. Rogan Lab, Western University
No classification provided (evidence only). Condition: Uterine carcinosarcoma. Review status: no classification provided. Collection method: in vitro. Allele origin: not applicable. Functional consequence: retained intron. Not counted in ClinVar's aggregate classification.

Dr. Peter K. Rogan Lab, Western University
No classification provided (evidence only). Condition: Uterine carcinosarcoma. Review status: no classification provided. Collection method: in vitro. Allele origin: not applicable. Functional consequence: retained intron. Not counted in ClinVar's aggregate classification.

Dr. Peter K. Rogan Lab, Western University
No classification provided (evidence only). Condition: Uterine carcinosarcoma. Review status: no classification provided. Collection method: in vitro. Allele origin: not applicable. Functional consequence: retained intron. Not counted in ClinVar's aggregate classification.

NM_005535.3(IL12RB1):c.1189+91C>T

Gene: IL12RB1 (interleukin 12 receptor subunit beta 1; minus strand). Cytogenetic location: 19p13.11.
Variant type: single nucleotide variant.
Coding change: c.1189+91C>T on transcript NM_005535.3 (MANE Select); 91 bases into the intron after coding-DNA position 1189, C replaced by T.
Molecular consequence: intron variant.
Genome position (GRCh38, 1-based): chr19:18,069,455, G>A on the plus strand (C>T on the coding strand, the complement: IL12RB1 is on the minus strand). VCF-style: chr19-18069455-G-A. GRCh37 (hg19) VCF-style: chr19-18180265-G-A.
Other names: NC_000019.9:g.18180265G>A; c.1309+91C>T (NM_001290024.2); c.1189+91C>T (NM_001290023.2); c.1210+91C>T (NM_001440425.1, NM_001440424.1).
Identifiers: ClinVar variation 2688331 (VCV002688331.3), dbSNP rs2305741, ClinGen allele CA14698765.